The following is an entry in ClinVar:

ClinVar aggregate classification (germline): Likely pathogenic (1 of 4 stars; one submission).

Conditions:
Tuberous sclerosis 1 (TSC1). Identifiers: Orphanet 805, MedGen C1854465, MONDO:0008612, OMIM 191100.

Submission:

Labcorp Genetics (formerly Invitae), Labcorp
Classification: Likely pathogenic for Tuberous sclerosis 1. Last evaluated: 2023-12-11. Review status: criteria provided, single submitter. Criteria: Invitae Variant Classification Sherloc (09022015). Collection method: clinical testing. Allele origin: germline.
Comment: This sequence change affects a donor splice site in intron 7 of the TSC1 gene. It is expected to disrupt RNA splicing. Variants that disrupt the donor or acceptor splice site typically lead to a loss of protein function (PMID: 16199547), and loss-of-function variants in TSC1 are known to be pathogenic (PMID: 10227394, 17304050). This variant is not present in population databases (gnomAD no frequency). This variant has not been reported in the literature in individuals affected with TSC1-related conditions. Studies have shown that disruption of this splice site is associated with inconclusive levels of altered splicing (Invitae). In summary, the currently available evidence indicates that the variant is pathogenic, but additional data are needed to prove that conclusively. Therefore, this variant has been classified as Likely Pathogenic.

Literature cited by the submitters: PubMed 16199547; PubMed 10227394; PubMed 17304050.

NM_000368.5(TSC1):c.663+2T>C

Gene: TSC1 (TSC complex subunit 1; minus strand). Cytogenetic location: 9q34.13.
Variant type: single nucleotide variant.
Coding change: c.663+2T>C on transcript NM_000368.5 (MANE Select); the canonical splice donor site of the intron after coding-DNA position 663, T replaced by C.
Molecular consequence: splice donor variant.
Genome position (GRCh38, 1-based): chr9:132,921,817, A>G on the plus strand (T>C on the coding strand, the complement: TSC1 is on the minus strand). VCF-style: chr9-132921817-A-G. GRCh37 (hg19) VCF-style: chr9-135797204-A-G.
Other names: c.300+2T>C (NM_001406620.1, NM_001406618.1, NM_001406625.1 and 10 more transcripts); c.510+2T>C (NM_001406613.1, NM_001406612.1, NM_001406610.1 and 2 more transcripts); c.-215+2T>C (NM_001406627.1, NM_001406628.1, NM_001406626.1); c.-357+2T>C (NM_001406629.1); c.663+2T>C (NM_001406603.1, NM_001406609.1, NM_001406597.1 and 16 more transcripts); c.-431+2T>C (NM_001406630.1).
Identifiers: ClinVar variation 2750388 (VCV002750388.3), dbSNP rs2132148804, ClinGen allele CA375371597.